The following is an entry in ClinVar:

NM_004247.4(EFTUD2):c.1180C>T (p.Arg394Trp)

Gene: EFTUD2 (elongation factor Tu GTP binding domain containing 2; minus strand). Cytogenetic location: 17q21.31.
Variant type: single nucleotide variant.
Coding change: c.1180C>T on transcript NM_004247.4 (MANE Select); coding-DNA position 1180, C replaced by T.
Protein change: p.Arg394Trp; replaces arginine 394 with tryptophan.
Molecular consequence: missense variant.
Genome position (GRCh38, 1-based): chr17:44,865,035, G>A on the plus strand (C>T on the coding strand, the complement: EFTUD2 is on the minus strand). VCF-style: chr17-44865035-G-A. GRCh37 (hg19) VCF-style: chr17-42942403-G-A.
Other names: c.1075C>T, p.Arg359Trp (NM_001142605.2); c.1180C>T, p.Arg394Trp (NM_001258353.2); c.1150C>T, p.Arg384Trp (NM_001258354.2); short protein forms R359W, R384W, R394W.
Identifiers: ClinVar variation 3234500 (VCV003234500.20), dbSNP rs762084058, ClinGen allele CA8607849.

ClinVar aggregate classification (germline): Uncertain significance (1 of 4 stars; one submission).

Allele frequency attached by ClinVar (database versions not stated): ExAC 0.00001; TOPMed 0.00002; gnomAD 0.00003.
gnomAD v4.1: 52 of 1,614,090 alleles (0.0032%); highest among the groups gnomAD compares: Admixed American, 0.005%; no homozygotes.

Submission:

CeGaT Center for Human Genetics Tuebingen
Classification: Uncertain significance. Last evaluated: 2024-04-01. Review status: criteria provided, single submitter. Criteria: CeGaT Center For Human Genetics Tuebingen Variant Classification Criteria Version 2. Collection method: clinical testing. Allele origin: germline. Affected: yes. Observed: 1 variant allele.
Comment: EFTUD2: PP3